The following is an entry in ClinVar:

NM_015295.3(SMCHD1):c.3760C>T (p.Pro1254Ser)

Gene: SMCHD1 (structural maintenance of chromosomes flexible hinge domain containing 1; plus strand). Cytogenetic location: 18p11.32.
Variant type: single nucleotide variant.
Coding change: c.3760C>T on transcript NM_015295.3 (MANE Select); coding-DNA position 3760, C replaced by T.
Protein change: p.Pro1254Ser; replaces proline 1254 with serine.
Molecular consequence: missense variant.
Genome position (GRCh38, 1-based): chr18:2,743,887, C>T. VCF-style: chr18-2743887-C-T. GRCh37 (hg19) VCF-style: chr18-2743885-C-T.
Other names: short protein forms P1254S.
Identifiers: ClinVar variation 2811176 (VCV002811176.3), dbSNP rs755677576, ClinGen allele CA401689672.

ClinVar aggregate classification (germline): Uncertain significance (1 of 4 stars; one submission).

Conditions:
Facioscapulohumeral muscular dystrophy 2 (FSHD2). Also called: FACIOSCAPULOHUMERAL MUSCULAR DYSTROPHY 2, DIGENIC; FSHD2, DIGENIC; MUSCULAR DYSTROPHY, FACIOSCAPULOHUMERAL, TYPE 1B. Identifiers: Orphanet 269, MedGen C1834671, MONDO:0008031, OMIM 158901.

gnomAD v4.1: 1 of 1,613,122 alleles (0.000062%); highest among the groups gnomAD compares: Non-Finnish European, 0.000085%; no homozygotes.

Submission:

Labcorp Genetics (formerly Invitae), Labcorp
Classification: Uncertain significance for Facioscapulohumeral muscular dystrophy 2. Last evaluated: 2025-09-08. Review status: criteria provided, single submitter. Criteria: Invitae Variant Classification Sherloc (09022015). Collection method: clinical testing. Allele origin: germline.
Comment: This sequence change replaces proline, which is neutral and non-polar, with serine, which is neutral and polar, at codon 1254 of the SMCHD1 protein (p.Pro1254Ser). This variant is present in population databases (no rsID available, gnomAD 0.0009%). This variant has not been reported in the literature in individuals affected with SMCHD1-related conditions. ClinVar contains an entry for this variant (Variation ID: 2811176). Invitae Evidence Modeling of protein sequence and biophysical properties (such as structural, functional, and spatial information, amino acid conservation, physicochemical variation, residue mobility, and thermodynamic stability) indicates that this missense variant is expected to disrupt SMCHD1 protein function with a positive predictive value of 80%. In summary, the available evidence is currently insufficient to determine the role of this variant in disease. Therefore, it has been classified as a Variant of Uncertain Significance.